The following is an entry in ClinVar:

ClinVar aggregate classification (germline): Pathogenic/Likely pathogenic. Review status: criteria provided, multiple submitters, no conflicts (2 of 4 stars). 2 submissions from 2 submitters: Pathogenic (1); Likely pathogenic (1). Last evaluated 2023-03-15.

Conditions:
Pyruvate carboxylase deficiency. Also called: LEIGH NECROTIZING ENCEPHALOPATHY DUE TO PYRUVATE CARBOXYLASE DEFICIENCY; LEIGH SYNDROME DUE TO PYRUVATE CARBOXYLASE DEFICIENCY; PC DEFICIENCY; Pyruvate Carboxylase Deficiency Disease; ATAXIA WITH LACTIC ACIDOSIS II. Identifiers: Orphanet 3008, MedGen C0034341, MONDO:0009949, OMIM 266150.

Submissions (2):

Department of Pathology and Laboratory Medicine, Sinai Health System
Classification: Likely pathogenic for Pyruvate carboxylase deficiency. Last evaluated: 2023-03-15. Review status: criteria provided, single submitter. Criteria: ACMG Guidelines, 2015. Collection method: research. Allele origin: germline.

Labcorp Genetics (formerly Invitae), Labcorp
Classification: Pathogenic for Pyruvate carboxylase deficiency. Last evaluated: 2021-09-25. Review status: criteria provided, single submitter. Criteria: Invitae Variant Classification Sherloc (09022015). Collection method: clinical testing. Allele origin: germline.
Comment: This sequence change creates a premature translational stop signal (p.Glu449*) in the PC gene. It is expected to result in an absent or disrupted protein product. Loss-of-function variants in PC are known to be pathogenic (PMID: 12112657, 19306334). This variant is not present in population databases (ExAC no frequency). This variant has not been reported in the literature in individuals affected with PC-related conditions. For these reasons, this variant has been classified as Pathogenic.

Literature cited by the submitters: PubMed 12112657 (cited by Labcorp Genetics (formerly Invitae), Labcorp); PubMed 19306334 (cited by Labcorp Genetics (formerly Invitae), Labcorp).

NM_001040716.2(PC):c.1345G>T (p.Glu449Ter)

Gene: PC (pyruvate carboxylase; minus strand). Cytogenetic location: 11q13.2.
Variant type: single nucleotide variant.
Coding change: c.1345G>T on transcript NM_001040716.2 (MANE Select); coding-DNA position 1345, G replaced by T.
Protein change: p.Glu449Ter; replaces glutamic acid 449 with a stop codon.
Molecular consequence: nonsense.
Genome position (GRCh38, 1-based): chr11:66,863,797, C>A on the plus strand (G>T on the coding strand, the complement: PC is on the minus strand). VCF-style: chr11-66863797-C-A. GRCh37 (hg19) VCF-style: chr11-66631268-C-A.
Other names: c.1345G>T, p.Glu449Ter (NM_000920.4, NM_022172.3); short protein forms E449*.
Identifiers: ClinVar variation 1413694 (VCV001413694.7), dbSNP rs2135903791, ClinGen allele CA381497858.